The following is an entry in ClinVar:

NM_000733.4(CD3E):c.49+175G>A

Gene: CD3E (CD3 epsilon subunit of T-cell receptor complex; plus strand). Cytogenetic location: 11q23.3.
Variant type: single nucleotide variant.
Coding change: c.49+175G>A on transcript NM_000733.4 (MANE Select); 175 bases into the intron after coding-DNA position 49, G replaced by A.
Molecular consequence: intron variant.
Genome position (GRCh38, 1-based): chr11:118,305,176, G>A. VCF-style: chr11-118305176-G-A. GRCh37 (hg19) VCF-style: chr11-118175891-G-A.
Other names: NC_000011.9:g.118175891G>A.
Identifiers: ClinVar variation 1707210 (VCV001707210.3), dbSNP rs139878287, ClinGen allele CA229495929.

ClinVar aggregate classification (germline): Likely benign (1 of 4 stars; one submission).

Allele frequency attached by ClinVar (database versions not stated): gnomAD 0.00520; 1000 Genomes Project 0.00619; TOPMed 0.00625; 1000 Genomes Project 30x 0.00687.
gnomAD v4.1: 785 of 152,346 alleles (0.52%); highest among the groups gnomAD compares: African/African-American, 1.8%; 12 homozygotes.

Submissions (2):

GeneDx
Classification: Likely benign. Last evaluated: 2018-12-09. Review status: criteria provided, single submitter. Criteria: GeneDx Variant Classification Process June 2021. Collection method: clinical testing. Allele origin: germline. Affected: yes.
Comment: See Variant Classification Assertion Criteria.

Dr. Peter K. Rogan Lab, Western University
No classification provided (evidence only). Condition: Malignant tumor of esophagus. Review status: no classification provided. Collection method: in vitro. Allele origin: not applicable. Functional consequence: retained intron. Not counted in ClinVar's aggregate classification.